The following is an entry in ClinVar:

ClinVar aggregate classification (germline): Uncertain significance. Review status: criteria provided, multiple submitters, no conflicts (2 of 4 stars). 3 submissions from 3 submitters: Uncertain significance (2). 1 of the submissions does not count toward it. Last evaluated 2026-04-29.

Conditions:
USP53-related disorder. Also called: USP53-related condition.
Premature menopause. Identifiers: MedGen C0025322, MONDO:0001119.

Allele frequency attached by ClinVar (database versions not stated): ExAC 0.00004; gnomAD exomes 0.00005 and 0.00001; TOPMed 0.00005; gnomAD 0.00006 and 0.00005; ESP Exome Variant Server 0.00008.
gnomAD v4.1: 87 of 1,614,018 alleles (0.0054%); highest among the groups gnomAD compares: Non-Finnish European, 0.0069%; no homozygotes.

Submissions (3):

PreventionGenetics, part of Exact Sciences
Classification: Uncertain significance for USP53-related condition. Last evaluated: 2026-04-29. Review status: criteria provided, single submitter. Criteria: ACMG Guidelines, 2015. Collection method: clinical testing. Allele origin: germline.
Comment: The USP53 c.2975T>G variant is predicted to result in the amino acid substitution p.Phe992Cys. This variant was reported in an individual with premature ovarian insufficiency (Tucker et al. 2019. PubMed ID: 30924587). This variant is reported in 0.0065% of alleles in individuals of African descent in gnomAD. At this time, the clinical significance of this variant is uncertain due to the absence of conclusive functional and genetic evidence.

Labcorp Genetics (formerly Invitae), Labcorp
Classification: Uncertain significance. Last evaluated: 2024-08-31. Review status: criteria provided, single submitter. Criteria: Invitae Variant Classification Sherloc (09022015). Collection method: clinical testing. Allele origin: germline.
Comment: This sequence change replaces phenylalanine, which is neutral and non-polar, with cysteine, which is neutral and slightly polar, at codon 992 of the USP53 protein (p.Phe992Cys). This variant is present in population databases (rs369618420, gnomAD 0.007%). This variant has not been reported in the literature in individuals affected with USP53-related conditions. ClinVar contains an entry for this variant (Variation ID: 619053). An algorithm developed to predict the effect of missense changes on protein structure and function (PolyPhen-2) suggests that this variant is likely to be tolerated. In summary, the available evidence is currently insufficient to determine the role of this variant in disease. Therefore, it has been classified as a Variant of Uncertain Significance.

Reproductive Development, Murdoch Childrens Research Institute
Classification: Uncertain significance for Premature ovarian insufficiency. Last evaluated: 2018-01-10. Review status: no assertion criteria provided. Criteria: ACMG Guidelines, 2015. Collection method: research. Allele origin: germline. Affected: yes. Not counted in ClinVar's aggregate classification.

NM_001371395.1(USP53):c.2975T>G (p.Phe992Cys)

Gene: USP53 (ubiquitin specific peptidase 53; plus strand). Cytogenetic location: 4q26.
Variant type: single nucleotide variant.
Coding change: c.2975T>G on transcript NM_001371395.1 (MANE Select); coding-DNA position 2975, T replaced by G.
Protein change: p.Phe992Cys; replaces phenylalanine 992 with cysteine.
Molecular consequence: missense variant. On other transcripts: 3 prime UTR variant (4).
Genome position (GRCh38, 1-based): chr4:119,292,964, T>G. VCF-style: chr4-119292964-T-G. GRCh37 (hg19) VCF-style: chr4-120214119-T-G.
Other names: c.*475T>G (NM_001371397.1, NM_001371398.1, NM_001389666.1 and 1 more transcripts); c.2975T>G, p.Phe992Cys (NM_001371399.1, NM_001389658.1, NM_001389659.1 and 1 more transcripts); c.2825T>G, p.Phe942Cys (NM_001389660.1); c.2822T>G, p.Phe941Cys (NM_001389661.1, NM_001371396.1); c.2627T>G, p.Phe876Cys (NM_001389662.1, NM_001389663.1, NM_001389664.1); c.2474T>G, p.Phe825Cys (NM_001389665.1); short protein forms F992C, F825C, F876C, F941C, F942C.
Identifiers: ClinVar variation 619053 (VCV000619053.5), dbSNP rs369618420, ClinGen allele CA3059483.
Genomic context (GRCh38, chr4:119,292,964, plus strand): 5'-AAGTGAGTACACATATGAATGATGAAAGACATAAAGAAACATTTCAAGTGAGAGAATGTT[T>G]TGGCAACACACCAAACTGTCCATCCAGCTCCTCAACTAACGATTTTCAGGCAAACTCAGG-3'
Protein context (NP_001358324.1, residues 982-1002): HKETFQVREC[Phe992Cys]GNTPNCPSSS